The following is an entry in ClinVar:

NM_001039141.3(TRIOBP):c.6205G>A (p.Glu2069Lys)

Gene: TRIOBP (TRIO and F-actin binding protein; plus strand). Cytogenetic location: 22q13.1.
Variant type: single nucleotide variant.
Coding change: c.6205G>A on transcript NM_001039141.3 (MANE Select); coding-DNA position 6205, G replaced by A.
Protein change: p.Glu2069Lys; replaces glutamic acid 2069 with lysine.
Molecular consequence: missense variant.
Genome position (GRCh38, 1-based): chr22:37,758,130, G>A. VCF-style: chr22-37758130-G-A. GRCh37 (hg19) VCF-style: chr22-38154137-G-A.
Other names: c.1066G>A, p.Glu356Lys (NM_138632.2, NM_007032.5); short protein forms E2069K, E356K.
Identifiers: ClinVar variation 229366 (VCV000229366.5), dbSNP rs777449279, ClinGen allele CA10577149.

ClinVar aggregate classification (germline): Uncertain significance (1 of 4 stars; one submission).

Allele frequency attached by ClinVar (database versions not stated): gnomAD exomes below 0.00001 and 0.00001; TOPMed 0.00001.
gnomAD v4.1: 8 of 1,610,868 alleles (0.0005%); highest among the groups gnomAD compares: Non-Finnish European, 0.00068%; no homozygotes.

Submission:

Laboratory for Molecular Medicine, Mass General Brigham Personalized Medicine
Classification: Uncertain significance. Last evaluated: 2015-04-20. Review status: criteria provided, single submitter. Criteria: LMM Criteria. Collection method: clinical testing. Allele origin: germline. Observed: 1 variant allele.
Comment: The p.Glu2069Lys variant in TRIOBP has not been previously reported in individua ls with hearing loss or in large population studies. Computational prediction to ols and conservation analyses suggest that the variant may not impact the protei n, though this information is not predictive enough to rule out pathogenicity. I n summary, the clinical significance of the p.Glu2069Lys variant is uncertain.